The following is an entry in ClinVar:

ClinVar aggregate classification (germline): Conflicting classifications of pathogenicity. Review status: criteria provided, conflicting classifications (1 of 4 stars). 2 submissions from 2 submitters: Uncertain significance (1); Likely benign (1). Last evaluated 2024-10-08.

Conditions:
Cardiovascular phenotype. Identifiers: MedGen CN230736.
Hypercholesterolemia, autosomal dominant, type B (FHCL2). Also called: APOB-Related Familial Hypercholesterolemia, Autosomal Dominant; Familial Hypercholesterolemia Type B; APOLIPOPROTEIN B-100, FAMILIAL DEFECTIVE; APOLIPOPROTEIN B-100, FAMILIAL LIGAND-DEFECTIVE; HYPERCHOLESTEROLEMIA, FAMILIAL, DUE TO LIGAND-DEFECTIVE APOLIPOPROTEIN B; Hyperlipoproteinemia Type IIb. Identifiers: MedGen C1704417, MONDO:0007751, OMIM 144010.
Familial hypobetalipoproteinemia 1. Also called: Hypobetalipoproteinemia, normotriglyceridemic; Acanthocytosis with hypobetalipoproteinemia; APOB-Related Familial Hypobetalipoproteinemia. Identifiers: MedGen C4551990, MONDO:0014252, OMIM 615558.

gnomAD v4.1: 4 of 1,613,858 alleles (0.00025%); highest among the groups gnomAD compares: South Asian, 0.0044%; no homozygotes.

Submissions (2):

Ambry Genetics
Classification: Uncertain significance for Cardiovascular phenotype. Last evaluated: 2024-10-08. Review status: criteria provided, single submitter. Criteria: Ambry Variant Classification Scheme 2023. Collection method: clinical testing. Allele origin: germline.
Comment: The p.P3714H variant (also known as c.11141C>A), located in coding exon 26 of the APOB gene, results from a C to A substitution at nucleotide position 11141. The proline at codon 3714 is replaced by histidine, an amino acid with similar properties. This amino acid position is conserved. In addition, this alteration is predicted to be tolerated by in silico analysis. Based on the available evidence, the clinical significance of this variant remains unclear.

Labcorp Genetics (formerly Invitae), Labcorp
Classification: Likely benign for Familial hypobetalipoproteinemia 1; Hypercholesterolemia, autosomal dominant, type B. Last evaluated: 2023-07-30. Review status: criteria provided, single submitter. Criteria: Invitae Variant Classification Sherloc (09022015). Collection method: clinical testing. Allele origin: germline.

NM_000384.3(APOB):c.11141C>A (p.Pro3714His)

Gene: APOB (apolipoprotein B; minus strand). Cytogenetic location: 2p24.1.
Variant type: single nucleotide variant.
Coding change: c.11141C>A on transcript NM_000384.3 (MANE Select); coding-DNA position 11141, C replaced by A.
Protein change: p.Pro3714His; replaces proline 3714 with histidine.
Molecular consequence: missense variant.
Genome position (GRCh38, 1-based): chr2:21,005,727, G>T on the plus strand (C>A on the coding strand, the complement: APOB is on the minus strand). VCF-style: chr2-21005727-G-T. GRCh37 (hg19) VCF-style: chr2-21228599-G-T.
Other names: c.11141C>A (NM_000384.2); short protein forms P3714H.
Identifiers: ClinVar variation 2927389 (VCV002927389.5), dbSNP rs1291461148, ClinGen allele CA345983226.